The following is an entry in ClinVar:

NM_144596.4(TTC8):c.624+2771A>G

Gene: TTC8 (tetratricopeptide repeat domain 8; plus strand). Cytogenetic location: 14q31.3.
Variant type: single nucleotide variant.
Coding change: c.624+2771A>G on transcript NM_144596.4 (MANE Select); 2771 bases into the intron after coding-DNA position 624, A replaced by G.
Molecular consequence: intron variant. On other transcripts: synonymous variant (1).
Genome position (GRCh38, 1-based): chr14:88,846,621, A>G. VCF-style: chr14-88846621-A-G. GRCh37 (hg19) VCF-style: chr14-89312965-A-G.
Other names: c.618A>G, p.Leu206= (NM_001288781.1); c.30+5064A>G (NM_001288782.1); c.594+2771A>G (NM_198309.3, NM_001366535.2); c.-153-227A>G (NM_001288783.1); c.504+2771A>G (NM_198310.3, NM_001366536.2).
Identifiers: ClinVar variation 3032387 (VCV003032387.3), dbSNP rs746811611, ClinGen allele CA264562889.

ClinVar aggregate classification (germline): Likely benign. Review status: criteria provided, single submitter (1 of 4 stars). 2 submissions from 2 submitters: Likely benign (1). 1 of the submissions does not count toward it. Last evaluated 2022-07-17.

Conditions:
TTC8-related disorder. Also called: TTC8-related condition.

Allele frequency attached by ClinVar (database versions not stated): gnomAD exomes 0.00001; gnomAD 0.00002; TOPMed 0.00005.
gnomAD v4.1: 17 of 1,468,858 alleles (0.0012%); highest among the groups gnomAD compares: Admixed American, 0.018%; no homozygotes.

Submissions (2):

Blueprint Genetics
Classification: Likely benign. Last evaluated: 2022-07-17. Review status: criteria provided, single submitter. Criteria: ACMG Guidelines, 2015. Collection method: clinical testing. Allele origin: germline.

PreventionGenetics, part of Exact Sciences
Classification: Likely benign for TTC8-related condition. Last evaluated: 2020-09-08. Review status: no assertion criteria provided. Collection method: clinical testing. Allele origin: germline. Not counted in ClinVar's aggregate classification.
Comment: This variant is classified as likely benign based on ACMG/AMP sequence variant interpretation guidelines (Richards et al. 2015 PMID: 25741868, with internal and published modifications).